The following is an entry in ClinVar:

ClinVar aggregate classification (germline): Uncertain significance (1 of 4 stars; one submission).

gnomAD v4.1: 12 of 1,553,162 alleles (0.00077%); highest among the groups gnomAD compares: Admixed American, 0.014%; no homozygotes.

Submission:

Dasa
Classification: Uncertain significance. Last evaluated: 2025-10-09. Review status: criteria provided, single submitter. Criteria: DASA Assertion Criteria. Collection method: clinical testing. Allele origin: germline.
Comment: NM_020719.3(PRR12):c.5284G>A (p.Gly1762Arg) is a missense variant that results in the substitution of glycine with arginine. This variant is rare in population databases. Computational prediction algorithms are consistent with a benign effect. The currently available literature and clinical evidence are not sufficient to establish a definitive association between this variant and the reported condition. Therefore, this variant is classified as a variant of uncertain significance.

NM_020719.3(PRR12):c.5284G>A (p.Gly1762Arg)

Gene: PRR12 (proline rich 12; plus strand). Cytogenetic location: 19q13.33.
Variant type: single nucleotide variant.
Coding change: c.5284G>A on transcript NM_020719.3 (MANE Select); coding-DNA position 5284, G replaced by A.
Protein change: p.Gly1762Arg; replaces glycine 1762 with arginine.
Molecular consequence: missense variant.
Genome position (GRCh38, 1-based): chr19:49,616,006, G>A. VCF-style: chr19-49616006-G-A. GRCh37 (hg19) VCF-style: chr19-50119263-G-A.
Other names: short protein forms G1762R.
Identifiers: ClinVar variation 4886080 (VCV004886080.2).